The following is an entry in ClinVar:

NM_019616.4(F7):c.1012C>T (p.Leu338Phe)

Gene: F7 (coagulation factor VII; plus strand). Cytogenetic location: 13q34.
Variant type: single nucleotide variant.
Coding change: c.1012C>T on transcript NM_019616.4 (MANE Select); coding-DNA position 1012, C replaced by T.
Protein change: p.Leu338Phe; replaces leucine 338 with phenylalanine.
Molecular consequence: missense variant. On other transcripts: non-coding transcript variant (1).
Genome position (GRCh38, 1-based): chr13:113,118,685, C>T. VCF-style: chr13-113118685-C-T. GRCh37 (hg19) VCF-style: chr13-113772999-C-T.
Other names: p.Leu360Phe; c.1078C>T, p.Leu360Phe (NM_000131.5); c.826C>T, p.Leu276Phe (NM_001267554.2); short protein forms L276F, L338F, L360F.
Identifiers: ClinVar variation 3380173 (VCV003380173.2).

ClinVar aggregate classification (germline): Uncertain significance. Review status: criteria provided, multiple submitters, no conflicts (2 of 4 stars). 2 submissions from 2 submitters: Uncertain significance (2). Last evaluated 2025-06-09.

gnomAD v4.1: 7 of 1,612,716 alleles (0.00043%); highest among the groups gnomAD compares: Admixed American, 0.0083%; no homozygotes.

Submissions (2):

GeneDx
Classification: Uncertain significance. Last evaluated: 2025-06-09. Review status: criteria provided, single submitter. Criteria: GeneDx Variant Classification Process June 2021. Collection method: clinical testing. Allele origin: germline. Affected: yes.
Comment: Observed as heterozygous in a patient with mild factor VII deficiency; a second variant in F7 was not reported (PMID: 38397060); In silico analysis supports that this missense variant has a deleterious effect on protein structure/function; This variant is associated with the following publications: (PMID: 38397060, 11920218)

Mayo Clinic Laboratories, Mayo Clinic
Classification: Uncertain significance. Last evaluated: 2024-05-02. Review status: criteria provided, single submitter. Criteria: ACMG Guidelines, 2015. Collection method: clinical testing. Allele origin: germline. Observed: 1 variant allele.
Comment: PM2_moderate

Literature cited by the submitters: PubMed 38397060 (cited by Mayo Clinic Laboratories, Mayo Clinic).